The following is an entry in ClinVar:

ClinVar aggregate classification (germline): Uncertain significance (1 of 4 stars; one submission).

gnomAD v4.1: 1 of 1,598,756 alleles (0.000063%); highest among the groups gnomAD compares: Non-Finnish European, 0.000086%; no homozygotes.

Submission:

Labcorp Genetics (formerly Invitae), Labcorp
Classification: Uncertain significance. Last evaluated: 2025-02-16. Review status: criteria provided, single submitter. Criteria: Invitae Variant Classification Sherloc (09022015). Collection method: clinical testing. Allele origin: germline.
Comment: This sequence change replaces proline, which is neutral and non-polar, with threonine, which is neutral and polar, at codon 752 of the REST protein (p.Pro752Thr). This variant is not present in population databases (gnomAD no frequency). This variant has not been reported in the literature in individuals affected with REST-related conditions. An algorithm developed to predict the effect of missense changes on protein structure and function outputs the following: PolyPhen-2: "Benign". The threonine amino acid residue is found in multiple mammalian species, which suggests that this missense change does not adversely affect protein function. In summary, the available evidence is currently insufficient to determine the role of this variant in disease. Therefore, it has been classified as a Variant of Uncertain Significance.

NM_005612.5(REST):c.2254C>A (p.Pro752Thr)

Gene: REST (RE1 silencing transcription factor; plus strand). Cytogenetic location: 4q12.
Variant type: single nucleotide variant.
Coding change: c.2254C>A on transcript NM_005612.5 (MANE Select); coding-DNA position 2254, C replaced by A.
Protein change: p.Pro752Thr; replaces proline 752 with threonine.
Molecular consequence: missense variant.
Genome position (GRCh38, 1-based): chr4:56,931,112, C>A. VCF-style: chr4-56931112-C-A. GRCh37 (hg19) VCF-style: chr4-57797278-C-A.
Other names: c.2254C>A, p.Pro752Thr (NM_001193508.2, NM_001363453.3); short protein forms P752T.
Identifiers: ClinVar variation 4752656 (VCV004752656.1), dbSNP rs267600197.